The following is an entry in ClinVar:

NM_016327.3(UPB1):c.519T>C (p.His173=)

Gene: UPB1 (beta-ureidopropionase 1; plus strand). Cytogenetic location: 22q11.23.
Variant type: single nucleotide variant.
Coding change: c.519T>C on transcript NM_016327.3 (MANE Select); coding-DNA position 519, T replaced by C.
Protein change: p.His173=; no amino-acid change (histidine 173 retained).
Molecular consequence: synonymous variant.
Genome position (GRCh38, 1-based): chr22:24,513,383, T>C. VCF-style: chr22-24513383-T-C. GRCh37 (hg19) VCF-style: chr22-24909351-T-C.
Identifiers: ClinVar variation 4534616 (VCV004534616.6).

ClinVar aggregate classification (germline): Likely benign (1 of 4 stars; one submission).

gnomAD v4.1: 26 of 1,614,188 alleles (0.0016%); highest among the groups gnomAD compares: Non-Finnish European, 0.0021%; no homozygotes.

Submission:

CeGaT Center for Human Genetics Tuebingen
Classification: Likely benign. Last evaluated: 2025-10-01. Review status: criteria provided, single submitter. Criteria: CeGaT Center For Human Genetics Tuebingen Variant Classification Criteria Version 2. Collection method: clinical testing. Allele origin: germline. Affected: yes. Observed: 1 variant allele.
Comment: UPB1: BP4, BP7